The following is an entry in ClinVar:

ClinVar aggregate classification (germline): Uncertain significance. Review status: criteria provided, multiple submitters, no conflicts (2 of 4 stars). 2 submissions from 2 submitters: Uncertain significance (2). Last evaluated 2025-06-09.

Conditions:
Inborn genetic diseases. Identifiers: MedGen C0950123, MeSH D030342.
Immunodeficiency, common variable, 10. Also called: IMMUNODEFICIENCY, COMMON VARIABLE, WITH CENTRAL ADRENAL INSUFFICIENCY; DEFICIT IN ANTERIOR PITUITARY FUNCTION AND VARIABLE IMMUNODEFICIENCY. Identifiers: MedGen C3809991, MONDO:0014260, OMIM 615577.

Allele frequency attached by ClinVar (database versions not stated): gnomAD exomes below 0.00001; gnomAD 0.00002; TOPMed 0.00004.

Submissions (2):

Labcorp Genetics (formerly Invitae), Labcorp
Classification: Uncertain significance for Immunodeficiency, common variable, 10. Last evaluated: 2025-06-09. Review status: criteria provided, single submitter. Criteria: Invitae Variant Classification Sherloc (09022015). Collection method: clinical testing. Allele origin: germline.
Comment: This sequence change replaces serine, which is neutral and polar, with threonine, which is neutral and polar, at codon 622 of the NFKB2 protein (p.Ser622Thr). This variant is present in population databases (no rsID available, gnomAD 0.003%). This variant has not been reported in the literature in individuals affected with NFKB2-related conditions. ClinVar contains an entry for this variant (Variation ID: 1024975). An algorithm developed to predict the effect of missense changes on protein structure and function (PolyPhen-2) suggests that this variant is likely to be tolerated. In summary, the available evidence is currently insufficient to determine the role of this variant in disease. Therefore, it has been classified as a Variant of Uncertain Significance.

Ambry Genetics
Classification: Uncertain significance for Inborn genetic diseases. Last evaluated: 2024-09-02. Review status: criteria provided, single submitter. Criteria: Ambry Variant Classification Scheme 2023. Collection method: clinical testing. Allele origin: germline.

NM_001322934.2(NFKB2):c.1865G>C (p.Ser622Thr)

Gene: NFKB2 (nuclear factor kappa B subunit 2; plus strand). Cytogenetic location: 10q24.32.
Variant type: single nucleotide variant.
Coding change: c.1865G>C on transcript NM_001322934.2 (MANE Select); coding-DNA position 1865, G replaced by C.
Protein change: p.Ser622Thr; replaces serine 622 with threonine.
Molecular consequence: missense variant.
Genome position (GRCh38, 1-based): chr10:102,400,721, G>C. VCF-style: chr10-102400721-G-C. GRCh37 (hg19) VCF-style: chr10-104160478-G-C.
Other names: c.1865G>C, p.Ser622Thr (NM_001077494.3, NM_001261403.3, NM_001288724.1 and 1 more transcripts); c.1739G>C, p.Ser580Thr (NM_001322935.1); c.1865G>C (NM_001077494.1); short protein forms S580T, S622T.
Identifiers: ClinVar variation 1024975 (VCV001024975.7), dbSNP rs942415314, ClinGen allele CA212217839.